The following is an entry in ClinVar:

NM_001843.4(CNTN1):c.2530T>C (p.Tyr844His)

Gene: CNTN1 (contactin 1; plus strand). Cytogenetic location: 12q12.
Variant type: single nucleotide variant.
Coding change: c.2530T>C on transcript NM_001843.4 (MANE Select); coding-DNA position 2530, T replaced by C.
Protein change: p.Tyr844His; replaces tyrosine 844 with histidine.
Molecular consequence: missense variant.
Genome position (GRCh38, 1-based): chr12:41,025,156, T>C. VCF-style: chr12-41025156-T-C. GRCh37 (hg19) VCF-style: chr12-41418958-T-C.
Other names: c.2497T>C, p.Tyr833His (NM_175038.2); short protein forms Y833H, Y844H.
Identifiers: ClinVar variation 1005176 (VCV001005176.9), dbSNP rs781106271, ClinGen allele CA6517175.

ClinVar aggregate classification (germline): Uncertain significance (1 of 4 stars; one submission).

Conditions:
Compton-North congenital myopathy (CMYO12). Identifiers: Orphanet 210163, MedGen C2675527, MONDO:0012929, OMIM 612540.

Allele frequency attached by ClinVar (database versions not stated): gnomAD exomes below 0.00001; ExAC 0.00001.

Submission:

Labcorp Genetics (formerly Invitae), Labcorp
Classification: Uncertain significance for Compton-North congenital myopathy. Last evaluated: 2022-09-13. Review status: criteria provided, single submitter. Criteria: Invitae Variant Classification Sherloc (09022015). Collection method: clinical testing. Allele origin: germline.
Comment: Advanced modeling of protein sequence and biophysical properties (such as structural, functional, and spatial information, amino acid conservation, physicochemical variation, residue mobility, and thermodynamic stability) performed at Invitae indicates that this missense variant is not expected to disrupt CNTN1 protein function. In summary, the available evidence is currently insufficient to determine the role of this variant in disease. Therefore, it has been classified as a Variant of Uncertain Significance. ClinVar contains an entry for this variant (Variation ID: 1005176). This sequence change replaces tyrosine, which is neutral and polar, with histidine, which is basic and polar, at codon 844 of the CNTN1 protein (p.Tyr844His). This variant is not present in population databases (gnomAD no frequency). This variant has not been reported in the literature in individuals affected with CNTN1-related conditions.